The following is an entry in ClinVar:

ClinVar aggregate classification (germline): Likely pathogenic (1 of 4 stars; one submission).

Conditions:
Dilated cardiomyopathy 1G (CMD1G). Identifiers: Orphanet 154, MedGen C1858763, MONDO:0011400, OMIM 604145.
Autosomal recessive limb-girdle muscular dystrophy type 2J (LGMDR10). Also called: Limb-girdle muscular dystrophy, type 2J; MUSCULAR DYSTROPHY, LIMB-GIRDLE, AUTOSOMAL RECESSIVE 10. Identifiers: Orphanet 140922, MedGen C1837342, MONDO:0012127, OMIM 608807.

Submission:

Labcorp Genetics (formerly Invitae), Labcorp
Classification: Likely pathogenic for Dilated cardiomyopathy 1G; Autosomal recessive limb-girdle muscular dystrophy type 2J. Last evaluated: 2024-10-18. Review status: criteria provided, single submitter. Criteria: Invitae Variant Classification Sherloc (09022015). Collection method: clinical testing. Allele origin: germline.
Comment: This sequence change creates a premature translational stop signal (p.Pro13546Glnfs*52) in the TTN gene. While this is not anticipated to result in nonsense mediated decay, it is expected to create a truncated TTN protein. This variant is not present in population databases (gnomAD no frequency). This variant has not been reported in the literature in individuals affected with TTN-related conditions. ClinVar contains an entry for this variant (Variation ID: 1488111). This variant is located in the I band of TTN (PMID: 25589632). Truncating variants in this region have been reported in individuals affected with autosomal recessive centronuclear myopathy (PMID: 23975875, internal data). Truncating variants in this region have also been identified in individuals affected with autosomal dominant dilated cardiomyopathy and/or cardio-related conditions (PMID: 27869827, 32964742, internal data). In summary, the currently available evidence indicates that the variant is pathogenic, but additional data are needed to prove that conclusively. Therefore, this variant has been classified as Likely Pathogenic.

Literature cited by the submitters: PubMed 25589632; PubMed 23975875; PubMed 27869827; PubMed 32964742.

NM_001267550.2(TTN):c.40635del (p.Pro13546fs)

Gene: TTN (titin; minus strand). Cytogenetic location: 2q31.2.
Variant type: Deletion.
Coding change: c.40635del on transcript NM_001267550.2 (MANE Select); coding-DNA position 40635, one base deleted (A; older notation c.40635delA).
Protein change: p.Pro13546fs; shifts the reading frame from proline 13546.
Molecular consequence: frameshift variant.
Genome position (GRCh38, 1-based): chr2:178,640,629, T deleted on the plus strand (A on the coding strand, the reverse complement: TTN is on the minus strand). VCF-style (leftmost placement, unchanged base first): chr2-178640628-GT-G. GRCh37 (hg19) VCF-style: chr2-179505355-GT-G.
Other names: c.35712del, p.Pro11905fs (NM_001256850.1); c.13440del, p.Pro4481fs (NM_003319.4); c.32931del, p.Pro10978fs (NM_133378.4); c.13815del, p.Pro4606fs (NM_133432.3); c.14016del, p.Pro4673fs (NM_133437.4); short protein forms P13546fs, P10978fs, P11905fs, P4481fs, P4606fs, P4673fs.
Identifiers: ClinVar variation 1488111 (VCV001488111.6), dbSNP rs2154238079, ClinGen allele CA2573133896.